The following is an entry in ClinVar:

NM_002471.4(MYH6):c.531G>A (p.Thr177=)

Genes: MYH6 (myosin heavy chain 6; minus strand), LOC114827851 (VISTA enhancer hs2155; plus strand). Cytogenetic location: 14q11.2.
Variant type: single nucleotide variant.
Coding change: c.531G>A on transcript NM_002471.4 (MANE Select); coding-DNA position 531, G replaced by A.
Protein change: p.Thr177=; no amino-acid change (threonine 177 retained).
Molecular consequence: synonymous variant.
Genome position (GRCh38, 1-based): chr14:23,404,822, C>T on the plus strand (G>A on the coding strand, the complement: MYH6 is on the minus strand). VCF-style: chr14-23404822-C-T. GRCh37 (hg19) VCF-style: chr14-23874031-C-T.
Identifiers: ClinVar variation 2913874 (VCV002913874.3), dbSNP rs1891730657, ClinGen allele CA485613325.

ClinVar aggregate classification (germline): Uncertain significance (1 of 4 stars; one submission).

Conditions:
Hypertrophic cardiomyopathy 14. Identifiers: MedGen C2750467, MONDO:0013197, OMIM 613251.

Allele frequency attached by ClinVar (database versions not stated): gnomAD exomes 0.00001.
gnomAD v4.1: 3 of 1,613,604 alleles (0.00019%); highest among the groups gnomAD compares: Non-Finnish European, 0.00025%; no homozygotes.

Submission:

Labcorp Genetics (formerly Invitae), Labcorp
Classification: Uncertain significance for Hypertrophic cardiomyopathy 14. Last evaluated: 2023-04-06. Review status: criteria provided, single submitter. Criteria: Invitae Variant Classification Sherloc (09022015). Collection method: clinical testing. Allele origin: germline.
Comment: This sequence change affects codon 177 of the MYH6 mRNA. It is a 'silent' change, meaning that it does not change the encoded amino acid sequence of the MYH6 protein. It affects a nucleotide within the consensus splice site. This variant is not present in population databases (gnomAD no frequency). This variant has not been reported in the literature in individuals affected with MYH6-related conditions. Algorithms developed to predict the effect of sequence changes on RNA splicing suggest that this variant is not likely to affect RNA splicing. In summary, the available evidence is currently insufficient to determine the role of this variant in disease. Therefore, it has been classified as a Variant of Uncertain Significance.